The following is an entry in ClinVar:

ClinVar aggregate classification (germline): Likely benign. Review status: criteria provided, multiple submitters, no conflicts (2 of 4 stars). 2 submissions from 2 submitters: Likely benign (2). Last evaluated 2026-01-01.

Conditions:
Deficiency of ferroxidase (ACEP). Also called: Aceruloplasminemia; Ceruloplasmin deficiency; Familial apoceruloplasmin deficiency; Hereditary ceruloplasmin deficiency; Deficiency of ceruloplasmin; NEURODEGENERATION WITH BRAIN IRON ACCUMULATION 10. Identifiers: Orphanet 48818, MedGen C0878682, MONDO:0011426, OMIM 604290, HP:0025498.

Submissions (2):

CeGaT Center for Human Genetics Tuebingen
Classification: Likely benign. Last evaluated: 2026-01-01. Review status: criteria provided, single submitter. Criteria: CeGaT Center For Human Genetics Tuebingen Variant Classification Criteria Version 2. Collection method: clinical testing. Allele origin: germline. Affected: yes. Observed: 1 variant allele.
Comment: CP: BP4, BP7

Labcorp Genetics (formerly Invitae), Labcorp
Classification: Likely benign for Deficiency of ferroxidase. Last evaluated: 2025-01-23. Review status: criteria provided, single submitter. Criteria: Invitae Variant Classification Sherloc (09022015). Collection method: clinical testing. Allele origin: germline.

NM_000096.4(CP):c.1302A>T (p.Thr434=)

Gene: CP (ceruloplasmin; minus strand). Cytogenetic location: 3q25.1.
Variant type: single nucleotide variant.
Coding change: c.1302A>T on transcript NM_000096.4 (MANE Select); coding-DNA position 1302, A replaced by T.
Protein change: p.Thr434=; no amino-acid change (threonine 434 retained).
Molecular consequence: synonymous variant. On other transcripts: non-coding transcript variant (1).
Genome position (GRCh38, 1-based): chr3:149,202,148, T>A on the plus strand (A>T on the coding strand, the complement: CP is on the minus strand). VCF-style: chr3-149202148-T-A. GRCh37 (hg19) VCF-style: chr3-148919935-T-A.
Identifiers: ClinVar variation 3701978 (VCV003701978.6).
Genomic context (GRCh38, chr3:149,202,148, plus strand): 5'-CTGCAAGAACTCACCCAGGATGCCAAGATGCTCTTCTTCAGGGCCTCTCTCCTTTCGATT[T>A]GTGAAGGAGGCATCTGTGTACTCACGATAAACCAGCTTTTTATAAGAGCCTCCAATTCTT-3'
Protein context (NP_000087.2, residues 424-444): VYREYTDASF[Thr434=]NRKERGPEEE